The following is an entry in ClinVar:

NM_000744.7(CHRNA4):c.118C>T (p.Leu40Phe)

Gene: CHRNA4 (cholinergic receptor nicotinic alpha 4 subunit; minus strand). Cytogenetic location: 20q13.33.
Variant type: single nucleotide variant.
Coding change: c.118C>T on transcript NM_000744.7 (MANE Select); coding-DNA position 118, C replaced by T.
Protein change: p.Leu40Phe; replaces leucine 40 with phenylalanine.
Molecular consequence: missense variant. On other transcripts: 5 prime UTR variant (1), non-coding transcript variant (1).
Genome position (GRCh38, 1-based): chr20:63,359,658, G>A on the plus strand (C>T on the coding strand, the complement: CHRNA4 is on the minus strand). VCF-style: chr20-63359658-G-A. GRCh37 (hg19) VCF-style: chr20-61991010-G-A.
Other names: c.-429C>T (NM_001256573.2); c.118C>T (NM_000744.5); short protein forms L40F.
Identifiers: ClinVar variation 957285 (VCV000957285.10), dbSNP rs1568819698, ClinGen allele CA409643823.
Genomic context (GRCh38, chr20:63,359,658, plus strand): 5'-CCGAGATGTTGGCCACGGGTCGGGACCACTTGTTGTAACCGGAGAAGAGTTTCTTCAGGA[G>A]CCGCTCCTCGGCGTGGGCCCGGGTCTCCACATGGCTGCTGGCTGCGGGGAGAGGCAGGCC-3'
Protein context (NP_000735.1, residues 30-50): VETRAHAEER[Leu40Phe]LKKLFSGYNK

ClinVar aggregate classification (germline): Uncertain significance. Review status: criteria provided, multiple submitters, no conflicts (2 of 4 stars). 2 submissions from 2 submitters: Uncertain significance (2). Last evaluated 2025-05-18.

Conditions:
Familial sleep-related hypermotor epilepsy. Also called: Autosomal Dominant Sleep-Related Hypermotor (Hyperkinetic) Epilepsy. Identifiers: Orphanet 98784, MedGen C3696898, MONDO:0000030.

Allele frequency attached by ClinVar (database versions not stated): gnomAD exomes below 0.00001; TOPMed 0.00001; gnomAD 0.00002.
gnomAD v4.1: 8 of 1,611,998 alleles (0.0005%); highest among the groups gnomAD compares: Admixed American, 0.0033%; no homozygotes.

Submissions (2):

Labcorp Genetics (formerly Invitae), Labcorp
Classification: Uncertain significance. Last evaluated: 2025-05-18. Review status: criteria provided, single submitter. Criteria: Invitae Variant Classification Sherloc (09022015). Collection method: clinical testing. Allele origin: germline.
Comment: This sequence change replaces leucine, which is neutral and non-polar, with phenylalanine, which is neutral and non-polar, at codon 40 of the CHRNA4 protein (p.Leu40Phe). This variant is not present in population databases (gnomAD no frequency). This variant has not been reported in the literature in individuals affected with CHRNA4-related conditions. ClinVar contains an entry for this variant (Variation ID: 957285). Invitae Evidence Modeling of protein sequence and biophysical properties (such as structural, functional, and spatial information, amino acid conservation, physicochemical variation, residue mobility, and thermodynamic stability) indicates that this missense variant is expected to disrupt CHRNA4 protein function with a positive predictive value of 80%. In summary, the available evidence is currently insufficient to determine the role of this variant in disease. Therefore, it has been classified as a Variant of Uncertain Significance.

GeneDx
Classification: Uncertain significance. Last evaluated: 2024-01-18. Review status: criteria provided, single submitter. Criteria: GeneDx Variant Classification Process June 2021. Collection method: clinical testing. Allele origin: germline. Affected: yes.
Comment: In silico analysis supports that this missense variant has a deleterious effect on protein structure/function; Has not been previously published as pathogenic or benign to our knowledge